The following is an entry in ClinVar:

ClinVar aggregate classification (germline): Likely pathogenic (1 of 4 stars; one submission).

Conditions:
Bethlem myopathy 1B (BTHLM1B). Identifiers: MedGen C5935580, MONDO:0958233, OMIM 620725.

Submission:

Kariminejad - Najmabadi Pathology & Genetics Center
Classification: Likely pathogenic for Bethlem myopathy 1B. Last evaluated: 2024-01-20. Review status: criteria provided, single submitter. Criteria: ACMG Guidelines, 2015. Collection method: clinical testing. Allele origin: germline. Inheritance: Autosomal recessive inheritance. Affected: yes.
Comment: PVS1, PM2

NM_001849.4(COL6A2):c.595C>T (p.Gln199Ter)

Gene: COL6A2 (collagen type VI alpha 2 chain; plus strand). Cytogenetic location: 21q22.3.
Variant type: single nucleotide variant.
Coding change: c.595C>T on transcript NM_001849.4 (MANE Select); coding-DNA position 595, C replaced by T.
Protein change: p.Gln199Ter; replaces glutamine 199 with a stop codon.
Molecular consequence: nonsense.
Genome position (GRCh38, 1-based): chr21:46,112,458, C>T. VCF-style: chr21-46112458-C-T. GRCh37 (hg19) VCF-style: chr21-47532372-C-T.
Other names: c.595C>T, p.Gln199Ter (NM_058174.3, NM_058175.3); short protein forms Q199*.
Identifiers: ClinVar variation 3896819 (VCV003896819.1).